The following is an entry in ClinVar:

NM_031407.7(HUWE1):c.4229C>T (p.Ala1410Val)

Gene: HUWE1 (HECT, UBA and WWE domain containing E3 ubiquitin protein ligase 1; minus strand). Cytogenetic location: Xp11.22.
Variant type: single nucleotide variant.
Coding change: c.4229C>T on transcript NM_031407.7 (MANE Select); coding-DNA position 4229, C replaced by T.
Protein change: p.Ala1410Val; replaces alanine 1410 with valine.
Molecular consequence: missense variant.
Genome position (GRCh38, 1-based): chrX:53,589,779, G>A on the plus strand (C>T on the coding strand, the complement: HUWE1 is on the minus strand). VCF-style: chrX-53589779-G-A. GRCh37 (hg19) VCF-style: chrX-53616739-G-A.
Other names: short protein forms A1410V.
Identifiers: ClinVar variation 547839 (VCV000547839.36), dbSNP rs200500110, ClinGen allele CA10422429.

ClinVar aggregate classification (germline): Conflicting classifications of pathogenicity. Review status: criteria provided, conflicting classifications (1 of 4 stars). 4 submissions from 4 submitters: Uncertain significance (2); Likely benign (2). Last evaluated 2026-05-01.

Conditions:
Inborn genetic diseases. Identifiers: MedGen C0950123, MeSH D030342.
Intellectual developmental disorder, X-linked, syndromic, Turner type. Also called: X-linked intellectual disability, Turner type; Intellectual disability, X-linked syndromic, Turner type. Identifiers: Orphanet 3056, Orphanet 85328, MedGen C2678046, MONDO:0010407, OMIM 309590.

Allele frequency attached by ClinVar (database versions not stated): 1000 Genomes Project 30x 0.00021; ExAC 0.00004; 1000 Genomes Project 0.00026; gnomAD 0.00003; TOPMed 0.00005; gnomAD exomes 0.00006.
gnomAD v4.1: 70 of 1,208,399 alleles (0.0058%); highest among the groups gnomAD compares: Non-Finnish European, 0.0074%; no homozygotes.

Submissions (4):

CeGaT Center for Human Genetics Tuebingen
Classification: Likely benign. Last evaluated: 2026-05-01. Review status: criteria provided, single submitter. Criteria: CeGaT Center For Human Genetics Tuebingen Variant Classification Criteria Version 2. Collection method: clinical testing. Allele origin: germline. Affected: yes. Observed: 4 variant alleles.
Comment: HUWE1: BS2

Labcorp Genetics (formerly Invitae), Labcorp
Classification: Likely benign. Last evaluated: 2025-04-07. Review status: criteria provided, single submitter. Criteria: Invitae Variant Classification Sherloc (09022015). Collection method: clinical testing. Allele origin: germline.

Ambry Genetics
Classification: Uncertain significance for Inborn genetic diseases. Last evaluated: 2016-07-21. Review status: criteria provided, single submitter. Criteria: Ambry Variant Classification Scheme 2023. Collection method: clinical testing. Allele origin: germline.
Comment: The p.A1410V variant (also known as c.4229C>T), located in coding exon 33 of the HUWE1 gene, results from a C to T substitution at nucleotide position 4229. The alanine at codon 1410 is replaced by valine, an amino acid with similar properties. This variant was previously reported in the SNPDatabase as rs200500110. Based on data from the 1000 Genomes Project, the T allele has an overall frequency of approximately 0% (0/503) total male alleles studied.. This amino acid position is highly conserved in available vertebrate species. In addition, this alteration is predicted to be tolerated by in silico analysis. Since supporting evidence is limited at this time, the clinical significance of this alteration remains unclear.

Mayo Clinic Laboratories, Mayo Clinic
Classification: Uncertain significance for Intellectual developmental disorder, X-linked, syndromic, Turner type. Last evaluated: 2016-03-31. Review status: criteria provided, single submitter. Criteria: ACMG Guidelines, 2015. Collection method: clinical testing. Allele origin: maternal.